The following is an entry in ClinVar:

ClinVar aggregate classification (germline): Likely benign (1 of 4 stars; one submission).

gnomAD v4.1: 37 of 1,566,890 alleles (0.0024%); highest among the groups gnomAD compares: East Asian, 0.057%; 1 homozygote.

Submission:

CeGaT Center for Human Genetics Tuebingen
Classification: Likely benign. Last evaluated: 2025-10-01. Review status: criteria provided, single submitter. Criteria: CeGaT Center For Human Genetics Tuebingen Variant Classification Criteria Version 2. Collection method: clinical testing. Allele origin: germline. Affected: yes. Observed: 1 variant allele.
Comment: CTBP1: BP4, BP7

NM_001012614.2(CTBP1):c.471C>T (p.Gly157=)

Gene: CTBP1 (C-terminal binding protein 1; minus strand). Cytogenetic location: 4p16.3.
Variant type: single nucleotide variant.
Coding change: c.471C>T on transcript NM_001012614.2 (MANE Select); coding-DNA position 471, C replaced by T.
Protein change: p.Gly157=; no amino-acid change (glycine 157 retained).
Molecular consequence: synonymous variant.
Genome position (GRCh38, 1-based): chr4:1,225,403, G>A on the plus strand (C>T on the coding strand, the complement: CTBP1 is on the minus strand). VCF-style: chr4-1225403-G-A. GRCh37 (hg19) VCF-style: chr4-1219191-G-A.
Other names: c.504C>T, p.Gly168= (NM_001328.3, NM_001377186.1); c.471C>T, p.Gly157= (NM_001377187.1, NM_001377188.1, NM_001377189.1 and 4 more transcripts).
Identifiers: ClinVar variation 4534260 (VCV004534260.6).